The following is an entry in ClinVar:

NM_000363.5(TNNI3):c.283-202G>T

Gene: TNNI3 (troponin I3, cardiac type; minus strand). Cytogenetic location: 19q13.42.
Variant type: single nucleotide variant.
Coding change: c.283-202G>T on transcript NM_000363.5 (MANE Select); 202 bases into the intron before coding-DNA position 283, G replaced by T.
Molecular consequence: intron variant.
Genome position (GRCh38, 1-based): chr19:55,155,032, C>A on the plus strand (G>T on the coding strand, the complement: TNNI3 is on the minus strand). VCF-style: chr19-55155032-C-A. GRCh37 (hg19) VCF-style: chr19-55666400-C-A.
Identifiers: ClinVar variation 672562 (VCV000672562.1), dbSNP rs1005638211, ClinGen allele CA310148971.
Genomic context (GRCh38, chr19:55,155,032, plus strand): 5'-TCTGAGGGAGGAGTTGGGGGCCTGGACTCCTGGGTTTGAGGGAGGAGAAGGGGCTGGGGG[C>A]CTGGACTCCTGGGTCTGAGGGAGGAGGGGCTGAGGGCCTCGATTCCAGGGTCTGAGGGAG-3'

ClinVar aggregate classification (germline): Likely benign (1 of 4 stars; one submission).

Allele frequency attached by ClinVar (database versions not stated): gnomAD 0.00236 and 0.00242.

Submission:

GeneDx
Classification: Likely benign. Last evaluated: 2018-06-19. Review status: criteria provided, single submitter. Criteria: GeneDx Variant Classification (06012015). Collection method: clinical testing. Allele origin: germline. Affected: yes.
Comment: This variant is considered likely benign or benign based on one or more of the following criteria: it is a conservative change, it occurs at a poorly conserved position in the protein, it is predicted to be benign by multiple in silico algorithms, and/or has population frequency not consistent with disease.